The following is an entry in ClinVar:

NM_000083.3(CLCN1):c.1509dup (p.Met504fs)

Gene: CLCN1 (chloride voltage-gated channel 1; plus strand). Cytogenetic location: 7q34.
Variant type: Duplication.
Coding change: c.1509dup on transcript NM_000083.3 (MANE Select); coding-DNA position 1509, one base duplicated (C; older notation c.1509dupC).
Protein change: p.Met504fs; shifts the reading frame from methionine 504.
Molecular consequence: frameshift variant. On other transcripts: non-coding transcript variant (1).
Genome position (GRCh38, 1-based): chr7:143,339,548, C duplicated; the last of 2 consecutive C bases (chr7:143,339,547-143,339,548); duplicating either gives the same sequence. VCF-style (leftmost placement, unchanged base first): chr7-143339546-G-GC. GRCh37 (hg19) VCF-style: chr7-143036639-G-GC.
Other names: short protein forms M504fs.
Identifiers: ClinVar variation 3377680 (VCV003377680.1).

ClinVar aggregate classification (germline): Likely pathogenic (1 of 4 stars; one submission).

Conditions:
Congenital myotonia, autosomal recessive form. Also called: BECKER DISEASE; Becker Generalized Myotonia; myotonia congenita, autosomal recessive. Identifiers: Orphanet 614, MedGen C0751360, MONDO:0009715, OMIM 255700.

Submission:

Neuberg Centre For Genomic Medicine, NCGM
Classification: Likely pathogenic for Congenital myotonia, autosomal recessive form. Last evaluated: 2023-06-22. Review status: criteria provided, single submitter. Criteria: ACMG Guidelines, 2015. Collection method: clinical testing. Allele origin: germline. Inheritance: Autosomal recessive inheritance. Affected: yes.
Comment: The observed farmeshift c.1509dup(p.Met504HisfsTer5) variant in CLCN1 gene has not been reported previously as a pathogenic variant nor as a benign variant, to our knowledge. The p.Met504HisfsTer5 variant is absent in gnomAD Exomes database. This variant has not been submitted to the ClinVar database. This variant causes a frameshift starting with codon Methionine 504, changes this amino acid to Histidine residue, and creates a premature Stop codon at position 5 of the new reading frame, denoted p.Met504HisfsTer5. This variant is predicted to cause loss of normal protein function through protein truncation. Loss of function variants have been previously reported to be disease causing. For these reasons, this variant has been classified as Likely Pathogenic.